The following is an entry in ClinVar:

NM_000384.3(APOB):c.9498G>T (p.Lys3166Asn)

Gene: APOB (apolipoprotein B; minus strand). Cytogenetic location: 2p24.1.
Variant type: single nucleotide variant.
Coding change: c.9498G>T on transcript NM_000384.3 (MANE Select); coding-DNA position 9498, G replaced by T.
Protein change: p.Lys3166Asn; replaces lysine 3166 with asparagine.
Molecular consequence: missense variant.
Genome position (GRCh38, 1-based): chr2:21,007,370, C>A on the plus strand (G>T on the coding strand, the complement: APOB is on the minus strand). VCF-style: chr2-21007370-C-A. GRCh37 (hg19) VCF-style: chr2-21230242-C-A.
Other names: short protein forms K3166N.
Identifiers: ClinVar variation 4992223 (VCV004992223.1).

ClinVar aggregate classification (germline): Uncertain significance (1 of 4 stars; one submission).

Conditions:
APOB-related disorder. Also called: APOB-related condition; APOB-related disorders.

Submission:

PreventionGenetics, part of Exact Sciences
Classification: Uncertain significance for APOB-related condition. Last evaluated: 2026-08-20. Review status: criteria provided, single submitter. Criteria: ACMG Guidelines, 2015. Collection method: clinical testing. Allele origin: germline.
Comment: The APOB c.9498G>T variant is predicted to result in the amino acid substitution p.Lys3166Asn. To our knowledge, this variant has not been reported in the literature. However, an alternate nucleotide change affecting the same amino acid (c.9498G>C, p.Lys3166Asn) has been reported in multiple unrelated families with familial hypercholesterolemia (Berthold et al. 2025. PubMed ID: 41274794). This variant is not reported in a large population database (gnomAD), indicating this variant is rare. Although we suspect that this variant may be pathogenic, at this time, the clinical significance of this variant is uncertain due to the absence of conclusive functional and genetic evidence.